The following is an entry in ClinVar:

ClinVar aggregate classification (germline): Uncertain significance (1 of 4 stars; one submission).

Conditions:
Leigh syndrome (NULS). Also called: Leigh's necrotizing encephalopathy; Leigh's disease; Leigh Syndrome (mtDNA deletion); Leigh Disease; Subacute necrotizing encephalopathy; Necrotizing encephalopathy infantile subacute of Leigh. Identifiers: Orphanet 506, MedGen C2931891, MONDO:0009723, OMIM 256000.

Submission:

Wong Mito Lab, Molecular and Human Genetics, Baylor College of Medicine
Classification: Uncertain significance for Leigh syndrome. Last evaluated: 2019-10-17. Review status: criteria provided, single submitter. Criteria: Modified ACMG Guidelines (Unpublished). Collection method: clinical testing. Allele origin: germline.
Comment: The NC_012920.1:m.7300T>C (YP_003024028.1:p.Met466Thr) variant in MTCO1 gene is interpretated to be a Uncertain Significance variant based on the modified ACMG guidelines (unpublished). This variant meets the following evidence codes: PP7

NC_012920.1(MT-CO1):m.7300T>C

Gene: MT-CO1 (mitochondrially encoded cytochrome c oxidase I; plus strand).
Variant type: single nucleotide variant.
Genome position: chrM-7300-T-C.
Identifiers: ClinVar variation 692731 (VCV000692731.1), dbSNP rs1603220877, ClinGen allele CA414792279.
Genomic context (GRCh38, chrMT:7,300, plus strand): 5'-CATACACCACATGAAACATCCTATCATCTGTAGGCTCATTCATTTCTCTAACAGCAGTAA[T>C]ATTAATAATTTTCATGATTTGAGAAGCCTTCGCTTCGAAGCGAAAAGTCCTAATAGTAGA-3'